The following is an entry in ClinVar:

NM_001165963.4(SCN1A):c.383+5C>A

Gene: SCN1A (sodium voltage-gated channel alpha subunit 1; minus strand). Cytogenetic location: 2q24.3.
Variant type: single nucleotide variant.
Coding change: c.383+5C>A on transcript NM_001165963.4 (MANE Select); 5 bases into the intron after coding-DNA position 383, C replaced by A.
Molecular consequence: intron variant.
Genome position (GRCh38, 1-based): chr2:166,058,565, G>T on the plus strand (C>A on the coding strand, the complement: SCN1A is on the minus strand). VCF-style: chr2-166058565-G-T. GRCh37 (hg19) VCF-style: chr2-166915075-G-T.
Other names: c.383+5C>A (NM_001353949.2, NM_001353958.2, NM_001353950.2 and 10 more transcripts); c.-2043+5C>A (NM_001353961.2).
Identifiers: ClinVar variation 427158 (VCV000427158.8), dbSNP rs1060502185, ClinGen allele CA429903879.

ClinVar aggregate classification (germline): Conflicting classifications of pathogenicity. Review status: criteria provided, conflicting classifications (1 of 4 stars). 3 submissions from 3 submitters: Likely pathogenic (1); Uncertain significance (2). Last evaluated 2022-11-21.

Submissions (3):

Blueprint Genetics
Classification: Uncertain significance. Last evaluated: 2022-11-21. Review status: criteria provided, single submitter. Criteria: ACMG Guidelines, 2015. Collection method: clinical testing. Allele origin: germline.

Greenwood Genetic Center Diagnostic Laboratories, Greenwood Genetic Center
Classification: Uncertain significance. Last evaluated: 2021-01-14. Review status: criteria provided, single submitter. Criteria: ACMG Guidelines, 2015. Collection method: clinical testing. Allele origin: germline. Affected: yes.
Comment: PS2, PM2, PS4_Supporting

GeneDx
Classification: Likely pathogenic. Last evaluated: 2015-05-12. Review status: criteria provided, single submitter. Criteria: GeneDx Variant Classification (06012015). Collection method: clinical testing. Allele origin: germline. Affected: yes.
Comment: The c.383+5 C>A variant has not been published as a pathogenic variant, nor has it been reported as a benign polymorphism to our knowledge. The c.383+5 C>A variant was not observed in approximately 6,500 individuals of European and African American ancestry in the NHLBI Exome Sequencing Project, indicating it is not a common benign variant in these populations. Several in-silico splice prediction models were unable to predict the natural donor site in intron 2, however the c.383+5 C>A alteration may impact splicing as similar variants (264+5G>A, 473+5G>A, 602+5G>A) have been reported in association with SCN1A-releated disorders (Stenson, et al., 2014). However, in the absence of RNA/functional studies, the actual effect of this sequence change in this individual is unknown. Therefore, based on the currently available information, it is unclear whether this variant is a pathogenic variant or a rare benign variant.